The following is an entry in ClinVar:

ClinVar aggregate classification (germline): Uncertain significance (1 of 4 stars; one submission).

Submission:

Labcorp Genetics (formerly Invitae), Labcorp
Classification: Uncertain significance. Last evaluated: 2023-06-30. Review status: criteria provided, single submitter. Criteria: Invitae Variant Classification Sherloc (09022015). Collection method: clinical testing. Allele origin: germline.
Comment: In summary, the available evidence is currently insufficient to determine the role of this variant in disease. Therefore, it has been classified as a Variant of Uncertain Significance. An algorithm developed to predict the effect of missense changes on protein structure and function (PolyPhen-2) suggests that this variant is likely to be tolerated. ClinVar contains an entry for this variant (Variation ID: 1713427). This variant has not been reported in the literature in individuals affected with CNGB1-related conditions. This variant is not present in population databases (gnomAD no frequency). This sequence change replaces arginine, which is basic and polar, with glycine, which is neutral and non-polar, at codon 1081 of the CNGB1 protein (p.Arg1081Gly).

NM_001297.5(CNGB1):c.3241A>G (p.Arg1081Gly)

Gene: CNGB1 (cyclic nucleotide gated channel subunit beta 1; minus strand). Cytogenetic location: 16q21.
Variant type: single nucleotide variant.
Coding change: c.3241A>G on transcript NM_001297.5 (MANE Select); coding-DNA position 3241, A replaced by G.
Protein change: p.Arg1081Gly; replaces arginine 1081 with glycine.
Molecular consequence: missense variant.
Genome position (GRCh38, 1-based): chr16:57,897,398, T>C on the plus strand (A>G on the coding strand, the complement: CNGB1 is on the minus strand). VCF-style: chr16-57897398-T-C. GRCh37 (hg19) VCF-style: chr16-57931302-T-C.
Other names: c.3223A>G, p.Arg1075Gly (NM_001286130.2); short protein forms R1075G, R1081G.
Identifiers: ClinVar variation 1713427 (VCV001713427.5), dbSNP rs2544611944, ClinGen allele CA396065768.
Genomic context (GRCh38, chr16:57,897,398, plus strand): 5'-TGTAAGAGAAATTCATTGTCCTTAGCAATTTTTTATTAAACGAAAGAAAAGTTACATACC[T>C]GGCTTTCTTCCGGAGTAACTTCTGAGACTCAGGATAATGCACCAAAATCTCATTCAGGTC-3'
Protein context (NP_001288.3, residues 1071-1091): ESQKLLRKKA[Arg1081Gly]RMLRSNNKPK